The following is an entry in ClinVar:

ClinVar aggregate classification (germline): Conflicting classifications of pathogenicity. Review status: criteria provided, conflicting classifications (1 of 4 stars). 10 submissions from 10 submitters: Uncertain significance (7); Likely benign (2). 1 of the submissions does not count toward it. Last evaluated 2026-07-08.

Conditions:
Rhabdoid tumor predisposition syndrome 2 (RTPS2). Identifiers: Orphanet 231108, Orphanet 69077, MedGen C2750074, MONDO:0013224, OMIM 613325.
Intellectual disability, autosomal dominant 16 (CSS4). Also called: COFFIN-SIRIS SYNDROME 4. Identifiers: Orphanet 1465, MedGen C3553249, MONDO:0013821, OMIM 614609.
SMARCA4-related disorder. Also called: SMARCA4-related condition.
Hereditary cancer-predisposing syndrome. Also called: Tumor predisposition; Neoplastic Syndromes, Hereditary; Hereditary Cancer Syndrome; Hereditary neoplastic syndrome. Identifiers: Orphanet 140162, MedGen C0027672, MeSH D009386, MONDO:0015356.

Allele frequency attached by ClinVar (database versions not stated): gnomAD 0.00003 and 0.00002; gnomAD exomes 0.00007 and 0.00003; TOPMed 0.00004; ExAC 0.00005.
gnomAD v4.1: 103 of 1,551,946 alleles (0.0066%); highest among the groups gnomAD compares: Non-Finnish European, 0.0086%; no homozygotes.

Submissions (10):

Myriad Genetics, Inc.
Classification: Likely benign for Rhabdoid tumor predisposition syndrome 2. Last evaluated: 2026-07-08. Review status: criteria provided, single submitter. Criteria: Myriad Autosomal Dominant, Autosomal Recessive and X-Linked Classification Criteria (2023). Collection method: clinical testing. Allele origin: unknown.
Comment: This variant is considered likely benign. This variant has been observed at a population frequency that is significantly greater than expected given the associated disease prevalence and penetrance.

Labcorp Genetics (formerly Invitae), Labcorp
Classification: Uncertain significance for Rhabdoid tumor predisposition syndrome 2. Last evaluated: 2026-01-12. Review status: criteria provided, single submitter. Criteria: Invitae Variant Classification Sherloc (09022015). Collection method: clinical testing. Allele origin: germline.
Comment: This sequence change replaces leucine, which is neutral and non-polar, with proline, which is neutral and non-polar, at codon 1641 of the SMARCA4 protein (p.Leu1641Pro). This variant is present in population databases (rs755493468, gnomAD 0.008%). This missense change has been observed in individual(s) with neurodevelopmental disorder (PMID: 37500730). ClinVar contains an entry for this variant (Variation ID: 470424). Invitae Evidence Modeling of protein sequence and biophysical properties (such as structural, functional, and spatial information, amino acid conservation, physicochemical variation, residue mobility, and thermodynamic stability) has been performed for this missense variant. However, the output from this modeling did not meet the statistical confidence thresholds required to predict the impact of this variant on SMARCA4 protein function. In summary, the available evidence is currently insufficient to determine the role of this variant in disease. Therefore, it has been classified as a Variant of Uncertain Significance.

Quest Diagnostics Nichols Institute San Juan Capistrano
Classification: Uncertain significance. Last evaluated: 2025-04-03. Review status: criteria provided, single submitter. Criteria: Quest Diagnostics criteria. Collection method: clinical testing. Allele origin: unknown.
Comment: The SMARCA4 c.4922T>C (p.Leu1641Pro) variant has not been reported in individuals with SMARCA4-related conditions in the published literature. The frequency of this variant in the general population (Genome Aggregation Database) is uninformative in the assessment of its pathogenicity. Analysis of this variant using bioinformatics tools for the prediction of the effect of amino acid changes on protein structure and function yielded predictions that this variant is benign. Based on the available information, we are unable to determine the clinical significance of this variant.

GeneDx
Classification: Uncertain significance. Last evaluated: 2024-04-26. Review status: criteria provided, single submitter. Criteria: GeneDx Variant Classification Process June 2021. Collection method: clinical testing. Allele origin: germline.
Comment: In silico analysis supports that this missense variant does not alter protein structure/function; Has not been previously published as pathogenic or benign to our knowledge

Sema4
Classification: Uncertain significance for Hereditary cancer-predisposing syndrome. Last evaluated: 2021-12-17. Review status: criteria provided, single submitter. Criteria: Sema4 Curation Guidelines. Collection method: curation. Allele origin: germline.
Comment: To the best of our knowledge, the SMARCA4 c.4922T>C (p.L1641P) variant has not been reported in individuals with SMARCA4-related disease. This variant was observed in 6/75154 chromosomes in the European (non-Finnish) population, according to the Genome Aggregation Database (PMID: 32461654). This variant has been reported in ClinVar (Variation ID: 470424). Functional studies have not been performed, and in silico predictions of the variant's effect on protein function are inconclusive. The evidence is insufficient to meet ACMG/AMP criteria for classifying the variant as benign or pathogenic. Thus, the clinical significance of this variant is currently uncertain.

Genome-Nilou Lab
Classification: Uncertain significance for Intellectual disability, autosomal dominant 16. Last evaluated: 2021-07-15. Review status: criteria provided, single submitter. Criteria: ACMG Guidelines, 2015. Collection method: clinical testing. Allele origin: germline. Affected: no.

Ambry Genetics
Classification: Likely benign for Hereditary cancer-predisposing syndrome. Last evaluated: 2020-12-22. Review status: criteria provided, single submitter. Criteria: Ambry Variant Classification Scheme 2023. Collection method: clinical testing. Allele origin: germline.

Baylor Genetics
Classification: Uncertain significance for Intellectual disability, autosomal dominant 16. Last evaluated: 2018-12-18. Review status: criteria provided, single submitter. Criteria: ACMG Guidelines, 2015. Collection method: clinical testing. Allele origin: maternal. Affected: yes. Study: CSER-TexasKidsCanSeq.
Comment: This variant was determined to be of uncertain significance according to ACMG Guidelines, 2015 [PMID:25741868].

Fulgent Genetics
Classification: Uncertain significance for Rhabdoid tumor predisposition syndrome 2; Intellectual disability, autosomal dominant 16. Last evaluated: 2018-10-31. Review status: criteria provided, single submitter. Criteria: ACMG Guidelines, 2015. Collection method: clinical testing. Allele origin: unknown.

PreventionGenetics, part of Exact Sciences
Classification: Likely benign for SMARCA4-related condition. Last evaluated: 2023-11-29. Review status: no assertion criteria provided. Collection method: clinical testing. Allele origin: germline. Not counted in ClinVar's aggregate classification.
Comment: This variant is classified as likely benign based on ACMG/AMP sequence variant interpretation guidelines (Richards et al. 2015 PMID: 25741868, with internal and published modifications).

Literature cited by the submitters: PubMed 37500730 (cited by Labcorp Genetics (formerly Invitae), Labcorp).

NM_003072.5(SMARCA4):c.4826T>C (p.Leu1609Pro)

Gene: SMARCA4 (SWI/SNF related BAF chromatin remodeling complex subunit ATPase 4; plus strand). Cytogenetic location: 19p13.2.
Variant type: single nucleotide variant.
Coding change: c.4826T>C on transcript NM_003072.5 (MANE Select); coding-DNA position 4826, T replaced by C.
Protein change: p.Leu1609Pro; replaces leucine 1609 with proline.
Molecular consequence: missense variant. On other transcripts: non-coding transcript variant (1).
Genome position (GRCh38, 1-based): chr19:11,060,102, T>C. VCF-style: chr19-11060102-T-C. GRCh37 (hg19) VCF-style: chr19-11170778-T-C.
Other names: c.4826T>C, p.Leu1609Pro (NM_001128844.3); c.4736T>C, p.Leu1579Pro (NM_001128845.2); c.4733T>C, p.Leu1578Pro (NM_001128846.2); c.4727T>C, p.Leu1576Pro (NM_001128847.4, NM_001374457.1); c.4724T>C, p.Leu1575Pro (NM_001128848.2); c.4922T>C, p.Leu1641Pro (NM_001128849.3, NM_001387283.1); short protein forms L1641P, L1575P, L1609P, L1576P, L1578P, L1579P.
Identifiers: ClinVar variation 470424 (VCV000470424.25), dbSNP rs755493468, ClinGen allele CA9204886.